The following is an entry in ClinVar:

NM_021252.5(RAB18):c.85A>C (p.Thr29Pro)

Gene: RAB18 (RAB18, member RAS oncogene family; plus strand). Cytogenetic location: 10p12.1.
Variant type: single nucleotide variant.
Coding change: c.85A>C on transcript NM_021252.5 (MANE Select); coding-DNA position 85, A replaced by C.
Protein change: p.Thr29Pro; replaces threonine 29 with proline.
Molecular consequence: missense variant. On other transcripts: non-coding transcript variant (1).
Genome position (GRCh38, 1-based): chr10:27,509,891, A>C. VCF-style: chr10-27509891-A-C. GRCh37 (hg19) VCF-style: chr10-27798820-A-C.
Other names: c.85A>C, p.Thr29Pro (NM_001256410.2, NM_001256411.2, NM_001256412.2); short protein forms T29P.
Identifiers: ClinVar variation 1699746 (VCV001699746.2), dbSNP rs2138970903, ClinGen allele CA376380396.

ClinVar aggregate classification (germline): Uncertain significance (1 of 4 stars; one submission).

Submission:

GeneDx
Classification: Uncertain significance. Last evaluated: 2022-01-28. Review status: criteria provided, single submitter. Criteria: GeneDx Variant Classification Process June 2021. Collection method: clinical testing. Allele origin: germline. Affected: yes.
Comment: Not observed at significant frequency in large population cohorts (gnomAD); In silico analysis supports that this missense variant has a deleterious effect on protein structure/function; Has not been previously published as pathogenic or benign to our knowledge